The following is an entry in ClinVar:

NM_002049.4(GATA1):c.194_206del (p.Asp65fs)

Gene: GATA1 (GATA binding protein 1; plus strand). Cytogenetic location: Xp11.23.
Variant type: Deletion.
Coding change: c.194_206del on transcript NM_002049.4 (MANE Select); coding-DNA positions 194 to 206, 13 bases deleted (ACGCTGAGGCCTA).
Protein change: p.Asp65fs; shifts the reading frame from aspartic acid 65.
Molecular consequence: frameshift variant.
Genome position (GRCh38, 1-based): chrX:48,791,303-48,791,315, ACGCTGAGGCCTA deleted. VCF-style (leftmost placement, unchanged base first): chrX-48791302-GACGCTGAGGCCTA-G. GRCh37 (hg19) VCF-style: chrX-48649709-GACGCTGAGGCCTA-G.
Other names: short protein forms D65fs.
Identifiers: ClinVar variation 2945727 (VCV002945727.3), dbSNP rs2519343869, ClinGen allele CA2740092146.

ClinVar aggregate classification (germline): Pathogenic (1 of 4 stars; one submission).

Conditions:
Diamond-Blackfan anemia. Also called: Blackfan Diamond syndrome; Aregenerative anemia chronic congenital; Red cell aplasia, pure hereditary; Congenital hypoplastic anemia; Aase syndrome. Identifiers: Orphanet 124, MedGen C1260899, MeSH D029503, MONDO:0015253, HP:0004810.
GATA binding protein 1 related thrombocytopenia with dyserythropoiesis. Also called: GATA1-Related Cytopenia; GATA1-Related X-Linked Cytopenia. Identifiers: MedGen C1845837, MONDO:0100089.

Submission:

Labcorp Genetics (formerly Invitae), Labcorp
Classification: Pathogenic for GATA binding protein 1 related thrombocytopenia with dyserythropoiesis; Diamond-Blackfan anemia. Last evaluated: 2023-03-24. Review status: criteria provided, single submitter. Criteria: Invitae Variant Classification Sherloc (09022015). Collection method: clinical testing. Allele origin: germline.
Comment: This sequence change creates a premature translational stop signal (p.Asp65Alafs*68) in the GATA1 gene. It is expected to result in an absent or disrupted protein product. Loss-of-function variants in GATA1 are known to be pathogenic (PMID: 16783379, 22706301, 23704091, 24453067). This variant is not present in population databases (gnomAD no frequency). This variant has not been reported in the literature in individuals affected with GATA1-related conditions. For these reasons, this variant has been classified as Pathogenic.

Literature cited by the submitters: PubMed 16783379; PubMed 22706301; PubMed 23704091; PubMed 24453067.